The following is an entry in ClinVar:

ClinVar aggregate classification (germline): Pathogenic (0 of 4 stars; one submission).

Conditions:
Anophthalmia/microphthalmia-esophageal atresia syndrome (MCOPS3). Also called: MICROPHTHALMIA AND ESOPHAGEAL ATRESIA SYNDROME; AEG SYNDROME; SOX2 Disorder. Identifiers: Orphanet 77298, MedGen C1859773, MONDO:0008799, OMIM 206900.

Submission:

Anophthalmia/Microphthalmia Research Registry, Einstein Medical Center Philadelphia
Classification: Pathogenic for Anophthalmia/microphthalmia-esophageal atresia syndrome. Review status: no assertion criteria provided. Collection method: clinical testing. Allele origin: germline. Inheritance: Autosomal dominant inheritance. Affected: yes. Observed: 1 variant allele.

NM_003106.4(SOX2):c.538_542dup (p.Gln182fs)

Genes: SOX2 (SRY-box transcription factor 2; plus strand), SOX2-OT (SOX2 overlapping transcript; plus strand), LOC108281177 (SOX2 5' regulatory region; plus strand). Cytogenetic location: 3q26.33.
Variant type: Duplication.
Coding change: c.538_542dup on transcript NM_003106.4 (MANE Select); coding-DNA positions 538 to 542, 5 bases duplicated (TACCC; older notation c.538_542dupTACCC).
Protein change: p.Gln182fs; shifts the reading frame from glutamine 182.
Molecular consequence: frameshift variant.
Genome position (GRCh38, 1-based): chr3:181,712,898-181,712,902, TACCC duplicated; duplicating any 5 consecutive bases within chr3:181,712,897-181,712,902 gives the same sequence; the c. name uses the placement nearest the transcript's 3' end. VCF-style (leftmost placement, unchanged base first): chr3-181712896-G-GCTACC. GRCh37 (hg19) VCF-style: chr3-181430684-G-GCTACC.
Other names: short protein forms Q182fs.
Identifiers: ClinVar variation 986776 (VCV000986776.1), dbSNP rs1714861042, ClinGen allele CA1139658373.